The following is an entry in ClinVar:

ClinVar aggregate classification (germline): Likely benign. Review status: criteria provided, multiple submitters, no conflicts (2 of 4 stars). 3 submissions from 3 submitters: Likely benign (2). 1 of the submissions does not count toward it. Last evaluated 2025-12-01.

Conditions:
ZBTB16-related disorder. Also called: ZBTB16-related condition.

Allele frequency attached by ClinVar (database versions not stated): 1000 Genomes Project 30x 0.00016; 1000 Genomes Project 0.00020; TOPMed 0.00120; ESP Exome Variant Server 0.00139; gnomAD exomes 0.00159 and 0.00175; ExAC 0.00194.
gnomAD v4.1: 2,692 of 1,614,036 alleles (0.17%); highest among the groups gnomAD compares: Non-Finnish European, 0.2%; 5 homozygotes.

Submissions (3):

CeGaT Center for Human Genetics Tuebingen
Classification: Likely benign. Last evaluated: 2025-12-01. Review status: criteria provided, single submitter. Criteria: CeGaT Center For Human Genetics Tuebingen Variant Classification Criteria Version 2. Collection method: clinical testing. Allele origin: germline. Affected: yes. Observed: 3 variant alleles.
Comment: ZBTB16: BP4, BS2

Labcorp Genetics (formerly Invitae), Labcorp
Classification: Likely benign. Last evaluated: 2019-12-31. Review status: criteria provided, single submitter. Criteria: Invitae Variant Classification Sherloc (09022015). Collection method: clinical testing. Allele origin: germline.

PreventionGenetics, part of Exact Sciences
Classification: Likely benign for ZBTB16-related condition. Last evaluated: 2022-09-01. Review status: no assertion criteria provided. Collection method: clinical testing. Allele origin: germline. Not counted in ClinVar's aggregate classification.
Comment: This variant is classified as likely benign based on ACMG/AMP sequence variant interpretation guidelines (Richards et al. 2015 PMID: 25741868, with internal and published modifications).

NM_006006.6(ZBTB16):c.1072G>A (p.Val358Met)

Gene: ZBTB16 (zinc finger and BTB domain containing 16; plus strand). Cytogenetic location: 11q23.2.
Variant type: single nucleotide variant.
Coding change: c.1072G>A on transcript NM_006006.6 (MANE Select); coding-DNA position 1072, G replaced by A.
Protein change: p.Val358Met; replaces valine 358 with methionine.
Molecular consequence: missense variant.
Genome position (GRCh38, 1-based): chr11:114,064,372, G>A. VCF-style: chr11-114064372-G-A. GRCh37 (hg19) VCF-style: chr11-113935094-G-A.
Other names: c.1072G>A, p.Val358Met (NM_001018011.3, NM_001354750.2, NM_001354751.2 and 1 more transcripts); short protein forms V358M.
Identifiers: ClinVar variation 784657 (VCV000784657.29), dbSNP rs142709090, ClinGen allele CA6285128.